The following is an entry in ClinVar:

ClinVar aggregate classification (germline): Uncertain significance. Review status: criteria provided, single submitter (1 of 4 stars). 2 submissions from 2 submitters: Uncertain significance (1). 1 of the submissions does not count toward it. Last evaluated 2025-05-05.

Conditions:
Immunodeficiency 14 (IMD14A). Also called: p110-DELTA-ACTIVATING MUTATION CAUSING SENESCENT T CELLS, LYMPHADENOPATHY, AND IMMUNODEFICIENCY; Activated PI3K Delta Syndrome Type 1 (APDS1); ACTIVATED PI3K-DELTA SYNDROME 1; IMMUNODEFICIENCY 14A WITH LYMPHOPROLIFERATION, AUTOSOMAL DOMINANT. Identifiers: Orphanet 397596, Orphanet 693661, MedGen C5907821, MONDO:0014222, OMIM 615513.
Activated PI3K-delta syndrome. Identifiers: Orphanet 397596, MedGen C3714976, MONDO:0018338.

Allele frequency attached by ClinVar (database versions not stated): gnomAD 0.00001; gnomAD exomes 0.00004 and 0.00002; ExAC 0.00005; TOPMed 0.00002.
gnomAD v4.1: 23 of 1,612,854 alleles (0.0014%); highest among the groups gnomAD compares: Admixed American, 0.005%; no homozygotes.

Submissions (2):

Labcorp Genetics (formerly Invitae), Labcorp
Classification: Uncertain significance for Activated PI3K-delta syndrome. Last evaluated: 2025-05-05. Review status: criteria provided, single submitter. Criteria: Invitae Variant Classification Sherloc (09022015). Collection method: clinical testing. Allele origin: germline.
Comment: This sequence change replaces arginine, which is basic and polar, with tryptophan, which is neutral and slightly polar, at codon 957 of the PIK3CD protein (p.Arg957Trp). This variant is present in population databases (rs758647199, gnomAD 0.006%). This variant has not been reported in the literature in individuals affected with PIK3CD-related conditions. ClinVar contains an entry for this variant (Variation ID: 845740). Invitae Evidence Modeling of protein sequence and biophysical properties (such as structural, functional, and spatial information, amino acid conservation, physicochemical variation, residue mobility, and thermodynamic stability) indicates that this missense variant is expected to disrupt PIK3CD protein function with a positive predictive value of 80%. In summary, the available evidence is currently insufficient to determine the role of this variant in disease. Therefore, it has been classified as a Variant of Uncertain Significance.

Rarefied Biosciences Lab
Classification: Likely benign for Activated PI3K-delta syndrome. Review status: no assertion criteria provided. Collection method: research. Allele origin: germline. Affected: yes. Not counted in ClinVar's aggregate classification.
Comment: PIK3CD c.2869C>T (p.Arg957Trp) variant results in a missense substitution of arginine to tryptophan at codon 957. This residue is moderately conserved (phyloP100 score: 3.478) and is located outside of the canonical gain-of-function hotspots associated with PIK3CD-related disease. The variant is rare in the population, with a gnomAD exome allele frequency of 0.0000144. Immune profiling revealed normal T follicular helper (TFH) cells at 6.7%, but transitional B cells were within normal limits at 9.7%, and there was no abnormal activation of the mTOR pathway—suggesting preserved PI3K pathway regulation. Taken together, these findings do not support a functional gain-of-function effect typically observed in Activated PI3K-δ Syndrome (APDS). Computational predictions are mixed but lean toward a potentially concerning effect: REVEL score is high at 0.886, and AlphaMissense classifies the variant as Pathogenic Supporting (0.8219). However, these predictions are not supported by the functional immunologic findings or signaling data in this case. Given the absence of mTOR activation, normal transitional B cell levels, and lack of compelling functional evidence, PIK3CD c.2869C>T (p.Arg957Trp) is classified as Likely Benign

Literature cited by the submitters: PubMed 31031754 (cited by Rarefied Biosciences Lab).

NM_005026.5(PIK3CD):c.2869C>T (p.Arg957Trp)

Gene: PIK3CD (phosphatidylinositol-4,5-bisphosphate 3-kinase catalytic subunit delta; plus strand). Cytogenetic location: 1p36.22.
Variant type: single nucleotide variant.
Coding change: c.2869C>T on transcript NM_005026.5 (MANE Select); coding-DNA position 2869, C replaced by T.
Protein change: p.Arg957Trp; replaces arginine 957 with tryptophan.
Molecular consequence: missense variant.
Genome position (GRCh38, 1-based): chr1:9,724,808, C>T. VCF-style: chr1-9724808-C-T. GRCh37 (hg19) VCF-style: chr1-9784866-C-T.
Other names: c.2866C>T, p.Arg956Trp (NM_001350234.2); c.2782C>T, p.Arg928Trp (NM_001350235.1); short protein forms R956W, R928W, R957W.
Identifiers: ClinVar variation 845740 (VCV000845740.11), dbSNP rs758647199, ClinGen allele CA577667.